The following is an entry in ClinVar:

NM_016239.4(MYO15A):c.352G>A (p.Gly118Ser)

Gene: MYO15A (myosin XVA; plus strand). Cytogenetic location: 17p11.2.
Variant type: single nucleotide variant.
Coding change: c.352G>A on transcript NM_016239.4 (MANE Select); coding-DNA position 352, G replaced by A.
Protein change: p.Gly118Ser; replaces glycine 118 with serine.
Molecular consequence: missense variant.
Genome position (GRCh38, 1-based): chr17:18,119,152, G>A. VCF-style: chr17-18119152-G-A. GRCh37 (hg19) VCF-style: chr17-18022466-G-A.
Other names: short protein forms G118S.
Identifiers: ClinVar variation 3075914 (VCV003075914.1), dbSNP rs749719787, ClinGen allele CA8422818.

ClinVar aggregate classification (germline): Uncertain significance (1 of 4 stars; one submission).

Conditions:
Rare genetic deafness. Identifiers: Orphanet 96210, MedGen C5680250.

Allele frequency attached by ClinVar (database versions not stated): ExAC 0.00001.
gnomAD v4.1: 5 of 1,608,280 alleles (0.00031%); highest among the groups gnomAD compares: Non-Finnish European, 0.00042%; no homozygotes.

Submission:

Laboratory for Molecular Medicine, Mass General Brigham Personalized Medicine
Classification: Uncertain significance for Rare genetic deafness. Last evaluated: 2022-12-01. Review status: criteria provided, single submitter. Criteria: ACMG Guidelines, 2015. Collection method: clinical testing. Allele origin: germline.
Comment: The p.Gly118Ser variant in MYO15A has not been previously reported in individuals with nonsyndromic genetic hearing loss but has been identified in 0.001% (1/104092) European (non-Finnish) chromosomes by gnomAD (v2.1.1). However, this frequency is low enough to be consistent with a recessive allele frequency. Computational prediction tools and conservation analyses do not provide strong support for or against an impact to the protein. In summary, the clinical significance of this variant is uncertain. ACMG/AMP Criteria applied: PM2_Supporting.